The following is an entry in ClinVar:

NM_017780.4(CHD7):c.3844C>G (p.Leu1282Val)

Gene: CHD7 (chromodomain helicase DNA binding protein 7; plus strand). Cytogenetic location: 8q12.2.
Variant type: single nucleotide variant.
Coding change: c.3844C>G on transcript NM_017780.4 (MANE Select); coding-DNA position 3844, C replaced by G.
Protein change: p.Leu1282Val; replaces leucine 1282 with valine.
Molecular consequence: missense variant. On other transcripts: intron variant (1).
Genome position (GRCh38, 1-based): chr8:60,836,138, C>G. VCF-style: chr8-60836138-C-G. GRCh37 (hg19) VCF-style: chr8-61748697-C-G.
Other names: c.1717-26091C>G (NM_001316690.1); short protein forms L1282V.
Identifiers: ClinVar variation 3719729 (VCV003719729.2).

ClinVar aggregate classification (germline): Uncertain significance (1 of 4 stars; one submission).

Conditions:
CHARGE syndrome (CHARGE). Also called: Hittner Hirsch Kreh syndrome; CHARGE ASSOCIATION--COLOBOMA, HEART ANOMALY, CHOANAL ATRESIA, RETARDATION, GENITAL AND EAR ANOMALIES; Coloboma, heart anomaly, choanal atresia, retardation, genital and ear anomalies; CHARGE association; Hall-Hittner syndrome. Identifiers: Orphanet 138, MedGen C0265354, MONDO:0008965.

Submission:

Labcorp Genetics (formerly Invitae), Labcorp
Classification: Uncertain significance for CHARGE syndrome. Last evaluated: 2024-11-11. Review status: criteria provided, single submitter. Criteria: Invitae Variant Classification Sherloc (09022015). Collection method: clinical testing. Allele origin: germline.
Comment: This sequence change replaces leucine, which is neutral and non-polar, with valine, which is neutral and non-polar, at codon 1282 of the CHD7 protein (p.Leu1282Val). This variant is not present in population databases (gnomAD no frequency). This variant has not been reported in the literature in individuals affected with CHD7-related conditions. Invitae Evidence Modeling of protein sequence and biophysical properties (such as structural, functional, and spatial information, amino acid conservation, physicochemical variation, residue mobility, and thermodynamic stability) has been performed for this missense variant. However, the output from this modeling did not meet the statistical confidence thresholds required to predict the impact of this variant on CHD7 protein function. In summary, the available evidence is currently insufficient to determine the role of this variant in disease. Therefore, it has been classified as a Variant of Uncertain Significance.